The following is an entry in ClinVar:

ClinVar aggregate classification (germline): Uncertain significance (1 of 4 stars; one submission).

Conditions:
Nemaline myopathy 2 (NEM2). Also called: Nemaline myopathy 2, autosomal recessive. Identifiers: MedGen C1850569, MONDO:0009725, OMIM 256030.

Submission:

Labcorp Genetics (formerly Invitae), Labcorp
Classification: Uncertain significance for Nemaline myopathy 2. Last evaluated: 2022-06-20. Review status: criteria provided, single submitter. Criteria: Invitae Variant Classification Sherloc (09022015). Collection method: clinical testing. Allele origin: germline.
Comment: This sequence change replaces alanine, which is neutral and non-polar, with valine, which is neutral and non-polar, at codon 1016 of the NEB protein (p.Ala1016Val). This variant is not present in population databases (gnomAD no frequency). This variant has not been reported in the literature in individuals affected with NEB-related conditions. Algorithms developed to predict the effect of missense changes on protein structure and function output the following: SIFT: "Tolerated"; PolyPhen-2: "Not Available"; Align-GVGD: "Class C0". The valine amino acid residue is found in multiple mammalian species, which suggests that this missense change does not adversely affect protein function. In summary, the available evidence is currently insufficient to determine the role of this variant in disease. Therefore, it has been classified as a Variant of Uncertain Significance.

NM_001164508.2(NEB):c.3047C>T (p.Ala1016Val)

Gene: NEB (nebulin; minus strand). Cytogenetic location: 2q23.3.
Variant type: single nucleotide variant.
Coding change: c.3047C>T on transcript NM_001164508.2 (MANE Select); coding-DNA position 3047, C replaced by T.
Protein change: p.Ala1016Val; replaces alanine 1016 with valine.
Molecular consequence: missense variant.
Genome position (GRCh38, 1-based): chr2:151,680,018, G>A on the plus strand (C>T on the coding strand, the complement: NEB is on the minus strand). VCF-style: chr2-151680018-G-A. GRCh37 (hg19) VCF-style: chr2-152536532-G-A.
Other names: c.3047C>T, p.Ala1016Val (NM_001164507.2, NM_001271208.2, NM_004543.5); short protein forms A1016V.
Identifiers: ClinVar variation 1421893 (VCV001421893.7), dbSNP rs2148609477, ClinGen allele CA348820747.